The following is an entry in ClinVar:

NM_019892.6(INPP5E):c.430C>G (p.Arg144Gly)

Gene: INPP5E (inositol polyphosphate-5-phosphatase E; minus strand). Cytogenetic location: 9q34.3.
Variant type: single nucleotide variant.
Coding change: c.430C>G on transcript NM_019892.6 (MANE Select); coding-DNA position 430, C replaced by G.
Protein change: p.Arg144Gly; replaces arginine 144 with glycine.
Molecular consequence: missense variant.
Genome position (GRCh38, 1-based): chr9:136,438,990, G>C on the plus strand (C>G on the coding strand, the complement: INPP5E is on the minus strand). VCF-style: chr9-136438990-G-C. GRCh37 (hg19) VCF-style: chr9-139333442-G-C.
Other names: c.430C>G (NM_019892.5); c.430C>G, p.Arg144Gly (NM_001318502.2); short protein forms R144G.
Identifiers: ClinVar variation 1637541 (VCV001637541.10), dbSNP rs1479443394, ClinGen allele CA375569072.
Genomic context (GRCh38, chr9:136,438,990, plus strand): 5'-CCCCAGAGAGAGGGTTACCCCCCGAGGACGGGCTCCCTCTCTCACTGCTCAGGACCCCGC[G>C]GGACTTGGGGATTTCCTGCAAGGAGGTGCTCAGGCAGGGCGGGGAGCAGCTGTGGGCGGG-3'
Protein context (NP_063945.2, residues 134-154): STSLQEIPKS[Arg144Gly]GVLSSERGSP

ClinVar aggregate classification (germline): Conflicting classifications of pathogenicity. Review status: criteria provided, conflicting classifications (1 of 4 stars). 2 submissions from 2 submitters: Uncertain significance (1); Likely benign (1). Last evaluated 2026-08-25.

Conditions:
INPP5E-related disorder. Also called: INPP5E-related condition.
Joubert syndrome. Also called: JOUBERT-BOLTSHAUSER SYNDROME; Familial aplasia of the vermis. Identifiers: Orphanet 475, MedGen C5979921, MONDO:0018772.

Allele frequency attached by ClinVar (database versions not stated): TOPMed 0.00023; gnomAD 0.00031 and 0.00032.
gnomAD v4.1: 69 of 1,585,508 alleles (0.0044%); highest among the groups gnomAD compares: Admixed American, 0.12%; no homozygotes.

Submissions (2):

PreventionGenetics, part of Exact Sciences
Classification: Uncertain significance for INPP5E-related condition. Last evaluated: 2026-08-25. Review status: criteria provided, single submitter. Criteria: ACMG Guidelines, 2015. Collection method: clinical testing. Allele origin: germline.
Comment: The INPP5E c.430C>G variant is predicted to result in the amino acid substitution p.Arg144Gly. To our knowledge, this variant has not been reported in the literature. This variant is reported in 0.065% of alleles in individuals of Latino descent in gnomAD. Although we suspect that this variant may be benign, at this time, the clinical significance of this variant is uncertain due to the absence of conclusive functional and genetic evidence.

Labcorp Genetics (formerly Invitae), Labcorp
Classification: Likely benign for Joubert syndrome. Last evaluated: 2024-04-30. Review status: criteria provided, single submitter. Criteria: Invitae Variant Classification Sherloc (09022015). Collection method: clinical testing. Allele origin: germline.